The following is an entry in ClinVar:

NM_005633.4(SOS1):c.3739G>A (p.Ala1247Thr)

Gene: SOS1 (SOS Ras/Rac guanine nucleotide exchange factor 1; minus strand). Cytogenetic location: 2p22.1.
Variant type: single nucleotide variant.
Coding change: c.3739G>A on transcript NM_005633.4 (MANE Select); coding-DNA position 3739, G replaced by A.
Protein change: p.Ala1247Thr; replaces alanine 1247 with threonine.
Molecular consequence: missense variant.
Genome position (GRCh38, 1-based): chr2:38,986,087, C>T on the plus strand (G>A on the coding strand, the complement: SOS1 is on the minus strand). VCF-style: chr2-38986087-C-T. GRCh37 (hg19) VCF-style: chr2-39213228-C-T.
Other names: c.3718G>A, p.Ala1240Thr (NM_001382394.1); c.3694G>A, p.Ala1232Thr (NM_001382395.1); short protein forms A1247T, A1232T, A1240T.
Identifiers: ClinVar variation 3668152 (VCV003668152.2).

ClinVar aggregate classification (germline): Uncertain significance (1 of 4 stars; one submission).

Conditions:
RASopathy. Also called: Noonan spectrum disorder; rasopathies. Identifiers: Orphanet 536391, MedGen C5555857, MONDO:0021060.

Submission:

Labcorp Genetics (formerly Invitae), Labcorp
Classification: Uncertain significance for RASopathy. Last evaluated: 2024-06-30. Review status: criteria provided, single submitter. Criteria: Invitae Variant Classification Sherloc (09022015). Collection method: clinical testing. Allele origin: germline.
Comment: This sequence change replaces alanine, which is neutral and non-polar, with threonine, which is neutral and polar, at codon 1247 of the SOS1 protein (p.Ala1247Thr). This variant is not present in population databases (gnomAD no frequency). This variant has not been reported in the literature in individuals affected with SOS1-related conditions. Advanced modeling of protein sequence and biophysical properties (such as structural, functional, and spatial information, amino acid conservation, physicochemical variation, residue mobility, and thermodynamic stability) performed at Invitae indicates that this missense variant is not expected to disrupt SOS1 protein function with a negative predictive value of 95%. In summary, the available evidence is currently insufficient to determine the role of this variant in disease. Therefore, it has been classified as a Variant of Uncertain Significance.